The following is an entry in ClinVar:

ClinVar aggregate classification (germline): Likely benign. Review status: criteria provided, multiple submitters, no conflicts (2 of 4 stars). 4 submissions from 4 submitters: Likely benign (4). Last evaluated 2025-11-12.

Conditions:
Inherited prion disease. Identifiers: Orphanet 280400, MedGen C5679775, MONDO:0017234.
Huntington disease-like 1 (HDL1). Also called: HUNTINGTON-LIKE NEURODEGENERATIVE DISORDER 1; HUNTINGTON-LIKE NEURODEGENERATIVE DISORDER, AUTOSOMAL DOMINANT; PRION DISEASE, EARLY-ONSET, WITH PROMINENT PSYCHIATRIC FEATURES. Identifiers: Orphanet 157941, MedGen C1864112, MONDO:0011299, OMIM 603218.

Allele frequency attached by ClinVar (database versions not stated): TOPMed 0.00003; gnomAD 0.00004; gnomAD exomes 0.00005 and 0.00011; ESP Exome Variant Server 0.00008; ExAC 0.00014.
gnomAD v4.1: 89 of 1,613,706 alleles (0.0055%); highest among the groups gnomAD compares: Middle Eastern, 0.016%; no homozygotes.

Submissions (4):

Labcorp Genetics (formerly Invitae), Labcorp
Classification: Likely benign for Huntington disease-like 1. Last evaluated: 2025-11-12. Review status: criteria provided, single submitter. Criteria: Invitae Variant Classification Sherloc (09022015). Collection method: clinical testing. Allele origin: germline.

CeGaT Center for Human Genetics Tuebingen
Classification: Likely benign. Last evaluated: 2022-03-01. Review status: criteria provided, single submitter. Criteria: CeGaT Center For Human Genetics Tuebingen Variant Classification Criteria Version 2. Collection method: clinical testing. Allele origin: germline. Affected: yes. Observed: 1 variant allele.
Comment: PRNP: BP4, BP7

Illumina Laboratory Services, Illumina
Classification: Likely benign for Genetic prion diseases. Last evaluated: 2018-01-13. Review status: criteria provided, single submitter. Criteria: ICSL Variant Classification Criteria 13 December 2019. Collection method: clinical testing. Allele origin: germline.
Comment: This variant was observed in the ICSL laboratory as part of a predisposition screen in an ostensibly healthy population. It had not been previously curated by ICSL or reported in the Human Gene Mutation Database (HGMD: prior to June 1st, 2018), and was therefore a candidate for classification through an automated scoring system. Utilizing variant allele frequency, disease prevalence and penetrance estimates, and inheritance mode, an automated score was calculated to assess if this variant is too frequent to cause the disease. Based on the score and internal cut-off values, a variant classified as likely benign is not then subjected to further curation. The score for this variant resulted in a classification of likely benign for this disease.

Breakthrough Genomics
Classification: Likely benign. Review status: criteria provided, single submitter. Criteria: ACMG Guidelines, 2015. Collection method: not provided. Allele origin: germline. Inheritance: Autosomal dominant inheritance. Affected: yes.

NM_000311.5(PRNP):c.654C>T (p.Tyr218=)

Gene: PRNP (prion protein (Kanno blood group); plus strand). Cytogenetic location: 20p13.
Variant type: single nucleotide variant.
Coding change: c.654C>T on transcript NM_000311.5 (MANE Select); coding-DNA position 654, C replaced by T.
Protein change: p.Tyr218=; no amino-acid change (tyrosine 218 retained).
Molecular consequence: synonymous variant. On other transcripts: 3 prime UTR variant (1).
Genome position (GRCh38, 1-based): chr20:4,699,874, C>T. VCF-style: chr20-4699874-C-T. GRCh37 (hg19) VCF-style: chr20-4680520-C-T.
Other names: c.654C>T, p.Tyr218= (NM_001080121.3, NM_001080122.3, NM_001080123.3 and 1 more transcripts); c.*343C>T (NM_001271561.3).
Identifiers: ClinVar variation 896505 (VCV000896505.36), dbSNP rs375057882, ClinGen allele CA9752115.
Genomic context (GRCh38, chr20:4,699,874, plus strand): 5'-CACCGAGACCGACGTTAAGATGATGGAGCGCGTGGTTGAGCAGATGTGTATCACCCAGTA[C>T]GAGAGGGAATCTCAGGCCTATTACCAGAGAGGATCGAGCATGGTCCTCTTCTCCTCTCCA-3'
Protein context (NP_000302.1, residues 208-228): RVVEQMCITQ[Tyr218=]ERESQAYYQR